The following is an entry in ClinVar:

NC_000003.12:g.169764920G>A

Genes: TERC (telomerase RNA component; minus strand), LOC110806306 (telomerase RNA component (TERC) promoter; plus strand). Cytogenetic location: 3q26.2.
Variant type: single nucleotide variant.
Genome position: GRCh38 VCF-style: chr3-169764920-G-A. GRCh37 (hg19) VCF-style: chr3-169482708-G-A.
Identifiers: ClinVar variation 2194681 (VCV002194681.4), dbSNP rs770092736, ClinGen allele CA2696821.

ClinVar aggregate classification (germline): Uncertain significance (1 of 4 stars; one submission).

Conditions:
Dyskeratosis congenita, autosomal dominant 1 (DKCA1). Also called: Dyskeratosis congenita Scoggins type. Identifiers: Orphanet 1775, MedGen C4551974, MONDO:0007485, OMIM 127550. Inheritance: Variable.

Allele frequency attached by ClinVar (database versions not stated): TOPMed below 0.00001; ExAC 0.00001.
gnomAD v4.1: 2 of 765,258 alleles (0.00026%); highest among the groups gnomAD compares: South Asian, 0.0013%; no homozygotes.

Submission:

Labcorp Genetics (formerly Invitae), Labcorp
Classification: Uncertain significance for Dyskeratosis congenita, autosomal dominant 1. Last evaluated: 2022-06-16. Review status: criteria provided, single submitter. Criteria: Invitae Variant Classification Sherloc (09022015). Collection method: clinical testing. Allele origin: germline.
Comment: This variant is present in population databases (rs770092736, gnomAD 0.003%). In summary, the available evidence is currently insufficient to determine the role of this variant in disease. Therefore, it has been classified as a Variant of Uncertain Significance. This variant is located in a region of TERC in which a significant number of disease causing variants have been reported (PMID: 15082312, 21844345, 21931702). These observations suggest that this may be a clinically significant region. This variant is located within the template/pseudoknot domain of the TERC RNA component, which is required for RNA or RNP stability (PMID: 15082312, 21844345). This variant has not been reported in the literature in individuals affected with TERC-related conditions. This variant occurs in the TERC gene, which encodes an RNA molecule that does not result in a protein product.

Literature cited by the submitters: PubMed 15082312; PubMed 21844345; PubMed 21931702.